The following is an entry in ClinVar:

ClinVar aggregate classification (germline): Uncertain significance (1 of 4 stars; one submission).

Conditions:
Developmental and epileptic encephalopathy, 42 (DEE42A). Also called: EPILEPTIC ENCEPHALOPATHY, EARLY INFANTILE, 42A; DEVELOPMENTAL AND EPILEPTIC ENCEPHALOPATHY 42A; Epileptic encephalopathy, early infantile, 42. Identifiers: MedGen C4310716, MONDO:0014917, OMIM 617106.
Migraine, familial hemiplegic, 1. Also called: MIGRAINE, FAMILIAL HEMIPLEGIC 1, WITH PROGRESSIVE CEREBELLAR ATAXIA. Identifiers: Orphanet 569, MedGen C1832884, MONDO:0020756, OMIM 141500, MONDO:0007714.
Spinocerebellar ataxia type 6 (SCA6). Identifiers: Orphanet 98758, MedGen C0752124, MONDO:0008457, OMIM 183086.
Episodic ataxia type 2 (EA2). Also called: ATAXIA, EPISODIC, WITH NYSTAGMUS; ATAXIA, FAMILIAL PAROXYSMAL; CEREBELLAR ATAXIA, PAROXYSMAL, ACETAZOLAMIDE-RESPONSIVE; CEREBELLOPATHY, HEREDITARY PAROXYSMAL; EPISODIC ATAXIA, NYSTAGMUS-ASSOCIATED; ACETAZOLAMIDE-RESPONSIVE HEREDITARY PAROXYSMAL CEREBELLAR ATAXIA. Identifiers: Orphanet 97, MedGen C1720416, MONDO:0007163, OMIM 108500.

Allele frequency attached by ClinVar (database versions not stated): gnomAD exomes below 0.00001; ExAC 0.00001.
gnomAD v4.1: 4 of 1,608,026 alleles (0.00025%); highest among the groups gnomAD compares: Non-Finnish European, 0.00034%; no homozygotes.

Submission:

Women's Health and Genetics/Laboratory Corporation of America, LabCorp
Classification: Uncertain significance. Last evaluated: 2026-05-04. Review status: criteria provided, single submitter. Criteria: LabCorp Variant Classification Summary - May 2015. Collection method: clinical testing. Allele origin: germline.
Comment: Variant summary: CACNA1A c.5939A>C (p.Glu1980Ala) results in a non-conservative amino acid change in the encoded protein sequence. Algorithms developed to predict the effect of missense changes on protein structure and function are either unavailable or do not agree on the potential impact of this missense change. The variant allele was found at a frequency of 8.2e-06 in 243726 control chromosomes. The available data on variant occurrences in the general population are insufficient to allow any conclusion about variant significance. To our knowledge, c.5939A>C has not been observed in individual(s) affected with Epileptic Encephalopathy, Early Infantile, 42 and no experimental evidence demonstrating an impact on protein function has been reported. ClinVar contains an entry for this variant (Variation ID: 2505064). Based on the evidence outlined above, the variant was classified as uncertain significance.

Literature cited by the submitters: PubMed 31719132 (cited by Women's Health and Genetics/Laboratory Corporation of America, LabCorp).

NM_001127222.2(CACNA1A):c.5936A>C (p.Glu1979Ala)

Gene: CACNA1A (calcium voltage-gated channel subunit alpha1 A; minus strand). Cytogenetic location: 19p13.13.
Variant type: single nucleotide variant.
Coding change: c.5936A>C on transcript NM_001127222.2 (MANE Select); coding-DNA position 5936, A replaced by C.
Protein change: p.Glu1979Ala; replaces glutamic acid 1979 with alanine.
Molecular consequence: missense variant.
Genome position (GRCh38, 1-based): chr19:13,214,237, T>G on the plus strand (A>C on the coding strand, the complement: CACNA1A is on the minus strand). VCF-style: chr19-13214237-T-G. GRCh37 (hg19) VCF-style: chr19-13325051-T-G.
Other names: c.5954A>C, p.Glu1985Ala (NM_000068.4, NM_023035.3); c.5939A>C, p.Glu1980Ala (NM_001127221.2); c.5945A>C, p.Glu1982Ala (NM_001174080.2); short protein forms E1979A, E1980A, E1982A, E1985A.
Identifiers: ClinVar variation 2505064 (VCV002505064.4), dbSNP rs774657158, ClinGen allele CA9239542.